The following is an entry in ClinVar:

NM_000784.4(CYP27A1):c.1102_1104delinsTTA (p.Val368Leu)

Gene: CYP27A1 (cytochrome P450 family 27 subfamily A member 1; plus strand). Cytogenetic location: 2q35.
Variant type: Indel.
Coding change: c.1102_1104delinsTTA on transcript NM_000784.4 (MANE Select); coding-DNA positions 1102 to 1104, GTG replaced by TTA.
Protein change: p.Val368Leu; replaces valine 368 with leucine.
Molecular consequence: missense variant.
Genome position (GRCh38, 1-based): chr2:218,814,105-218,814,107, GTG replaced by TTA. VCF-style: chr2-218814105-GTG-TTA. GRCh37 (hg19) VCF-style: chr2-219678828-GTG-TTA.
Other names: c.1102_1104delGTGinsTTA (NM_000784.3); short protein forms V368L.
Identifiers: ClinVar variation 286891 (VCV000286891.11), dbSNP rs886043512, ClinGen allele CA10605606.

ClinVar aggregate classification (germline): Conflicting classifications of pathogenicity. Review status: criteria provided, conflicting classifications (1 of 4 stars). 4 submissions from 4 submitters: Uncertain significance (2); Likely benign (1). 1 of the submissions does not count toward it. Last evaluated 2024-09-12.

Conditions:
CYP27A1-related disorder. Also called: CYP27A1-related condition.
Cardiovascular phenotype. Identifiers: MedGen CN230736.

Submissions (4):

GeneDx
Classification: Uncertain significance. Last evaluated: 2024-09-12. Review status: criteria provided, single submitter. Criteria: GeneDx Variant Classification Process June 2021. Collection method: clinical testing. Allele origin: germline. Affected: yes.
Comment: In silico analysis indicates that this variant does not alter protein structure/function; Has not been previously published as pathogenic or benign to our knowledge

Ambry Genetics
Classification: Likely benign for Cardiovascular phenotype. Last evaluated: 2023-07-31. Review status: criteria provided, single submitter. Criteria: Ambry Variant Classification Scheme 2023. Collection method: clinical testing. Allele origin: germline.

Eurofins Ntd Llc (ga)
Classification: Uncertain significance. Last evaluated: 2018-08-22. Review status: criteria provided, single submitter. Criteria: EGL ClinVar v180209 classification definitions. Collection method: clinical testing. Allele origin: germline. Observed: 8 variant alleles, 8 heterozygotes.

PreventionGenetics, part of Exact Sciences
Classification: Likely benign for CYP27A1-related condition. Last evaluated: 2024-09-06. Review status: no assertion criteria provided. Collection method: clinical testing. Allele origin: germline. Not counted in ClinVar's aggregate classification.
Comment: This variant is classified as likely benign based on ACMG/AMP sequence variant interpretation guidelines (Richards et al. 2015 PMID: 25741868, with internal and published modifications).